The following is an entry in ClinVar:

ClinVar aggregate classification (germline): Pathogenic (1 of 4 stars; one submission).

Conditions:
Ehlers-Danlos syndrome, classic type, 1 (EDSCL1). Also called: EHLERS-DANLOS SYNDROME, GRAVIS TYPE; EHLERS-DANLOS SYNDROME, SEVERE CLASSIC TYPE; Ehlers-Danlos syndrome, type 1; Ehlers-Danlos Syndrome, Classic Type, COL5A1-Related; EDS I. Identifiers: MedGen C0268335, MONDO:0019567, OMIM 130000.

Submission:

Labcorp Genetics (formerly Invitae), Labcorp
Classification: Pathogenic for Ehlers-Danlos syndrome, classic type, 1. Last evaluated: 2025-07-01. Review status: criteria provided, single submitter. Criteria: Invitae Variant Classification Sherloc (09022015). Collection method: clinical testing. Allele origin: germline.
Comment: This sequence change creates a premature translational stop signal (p.Pro1569Argfs*50) in the COL5A1 gene. It is expected to result in an absent or disrupted protein product. Loss-of-function variants in COL5A1 are known to be pathogenic (PMID: 23587214). This variant is not present in population databases (gnomAD no frequency). This variant has not been reported in the literature in individuals affected with COL5A1-related conditions. For these reasons, this variant has been classified as Pathogenic.

Literature cited by the submitters: PubMed 23587214.

NM_000093.5(COL5A1):c.4706del (p.Pro1569fs)

Genes: COL5A1 (collagen type V alpha 1 chain; plus strand), LOC101448202 (uncharacterized LOC101448202; minus strand). Cytogenetic location: 9q34.3.
Variant type: Deletion.
Coding change: c.4706del on transcript NM_000093.5 (MANE Select); coding-DNA position 4706, one base deleted (C; older notation c.4706delC).
Protein change: p.Pro1569fs; shifts the reading frame from proline 1569.
Molecular consequence: frameshift variant.
Genome position (GRCh38, 1-based): chr9:134,824,607, C deleted; the last of 6 consecutive C bases (chr9:134,824,602-134,824,607); deleting any one gives the same sequence. VCF-style (leftmost placement, unchanged base first): chr9-134824601-GC-G. GRCh37 (hg19) VCF-style: chr9-137716447-GC-G.
Other names: c.4706del, p.Pro1569fs (NM_001278074.1); short protein forms P1569fs.
Identifiers: ClinVar variation 4722446 (VCV004722446.1).